The following is an entry in ClinVar:

NM_003000.3(SDHB):c.790G>A (p.Ala264Thr)

Gene: SDHB (succinate dehydrogenase complex iron sulfur subunit B; minus strand). Cytogenetic location: 1p36.13.
Variant type: single nucleotide variant.
Coding change: c.790G>A on transcript NM_003000.3 (MANE Select); coding-DNA position 790, G replaced by A.
Protein change: p.Ala264Thr; replaces alanine 264 with threonine.
Molecular consequence: missense variant.
Genome position (GRCh38, 1-based): chr1:17,018,934, C>T on the plus strand (G>A on the coding strand, the complement: SDHB is on the minus strand). VCF-style: chr1-17018934-C-T. GRCh37 (hg19) VCF-style: chr1-17345429-C-T.
Other names: short protein forms A264T.
Identifiers: ClinVar variation 1383549 (VCV001383549.12), dbSNP rs2077946173, ClinGen allele CA338268957.

ClinVar aggregate classification (germline): Uncertain significance. Review status: criteria provided, multiple submitters, no conflicts (2 of 4 stars). 3 submissions from 3 submitters: Uncertain significance (3). Last evaluated 2025-03-28.

Conditions:
Pheochromocytoma. Also called: MAX-Related Hereditary Paraganglioma-Pheochromocytoma Syndrome. Identifiers: Orphanet 29072, MedGen C0031511, MONDO:0008233, OMIM 171300, HP:0002666.
Pheochromocytoma/paraganglioma syndrome 4. Also called: CAROTID BODY TUMORS AND MULTIPLE EXTRAADRENAL PHEOCHROMOCYTOMAS; PARAGANGLIOMA, FAMILIAL MALIGNANT; PARAGANGLIOMAS, HEREDITARY EXTRAADRENAL; PHEOCHROMOCYTOMA, FAMILIAL EXTRAADRENAL; Paragangliomas 4; SDHB-Related Hereditary Paraganglioma-Pheochromocytoma Syndrome (Paragangliomas 4). Identifiers: Orphanet 29072, MedGen C1861848, MONDO:0007273, OMIM 115310.
Gastrointestinal stromal tumor. Also called: Gastrointestinal stroma tumor; Gastrointestinal stromal tumor, somatic. Identifiers: Orphanet 44890, MedGen C0238198, MeSH D046152, MONDO:0011719, OMIM 606764, HP:0100723.
Hereditary cancer-predisposing syndrome. Also called: Tumor predisposition; Hereditary Cancer Syndrome; Hereditary neoplastic syndrome; Neoplastic Syndromes, Hereditary. Identifiers: Orphanet 140162, MedGen C0027672, MeSH D009386, MONDO:0015356.

Allele frequency attached by ClinVar (database versions not stated): gnomAD 0.00001.

Submissions (3):

GeneDx
Classification: Uncertain significance. Last evaluated: 2025-03-28. Review status: criteria provided, single submitter. Criteria: GeneDx Variant Classification Process June 2021. Collection method: clinical testing. Allele origin: germline. Affected: yes.
Comment: Not observed at significant frequency in large population cohorts (gnomAD); In silico analysis supports that this missense variant has a deleterious effect on protein structure/function; Has not been previously published as pathogenic or benign to our knowledge

Labcorp Genetics (formerly Invitae), Labcorp
Classification: Uncertain significance for Gastrointestinal stromal tumor; Pheochromocytoma/paraganglioma syndrome 4; Pheochromocytoma. Last evaluated: 2024-09-14. Review status: criteria provided, single submitter. Criteria: Invitae Variant Classification Sherloc (09022015). Collection method: clinical testing. Allele origin: germline.
Comment: This sequence change replaces alanine, which is neutral and non-polar, with threonine, which is neutral and polar, at codon 264 of the SDHB protein (p.Ala264Thr). This variant is not present in population databases (gnomAD no frequency). This variant has not been reported in the literature in individuals affected with SDHB-related conditions. ClinVar contains an entry for this variant (Variation ID: 1383549). Invitae Evidence Modeling of protein sequence and biophysical properties (such as structural, functional, and spatial information, amino acid conservation, physicochemical variation, residue mobility, and thermodynamic stability) indicates that this missense variant is not expected to disrupt SDHB protein function with a negative predictive value of 80%. In summary, the available evidence is currently insufficient to determine the role of this variant in disease. Therefore, it has been classified as a Variant of Uncertain Significance.

Ambry Genetics
Classification: Uncertain significance for Hereditary cancer-predisposing syndrome. Last evaluated: 2024-08-28. Review status: criteria provided, single submitter. Criteria: Ambry Variant Classification Scheme 2023. Collection method: clinical testing. Allele origin: germline.
Comment: The p.A264T variant (also known as c.790G>A), located in coding exon 8 of the SDHB gene, results from a G to A substitution at nucleotide position 790. The alanine at codon 264 is replaced by threonine, an amino acid with similar properties. This amino acid position is highly conserved in available vertebrate species. In addition, this alteration is predicted to be deleterious by in silico analysis. Based on the available evidence, the clinical significance of this variant remains unclear.